The following is an entry in ClinVar:

NM_000157.4(GBA1):c.1184C>T (p.Ser395Phe)

Genes: GBA1 (glucosylceramidase beta 1; minus strand), LOC106627981 (GBA recombination region; plus strand). Cytogenetic location: 1q22.
Variant type: single nucleotide variant.
Coding change: c.1184C>T on transcript NM_000157.4 (MANE Select); coding-DNA position 1184, C replaced by T.
Protein change: p.Ser395Phe; replaces serine 395 with phenylalanine.
Molecular consequence: missense variant.
Genome position (GRCh38, 1-based): chr1:155,236,285, G>A on the plus strand (C>T on the coding strand, the complement: GBA1 is on the minus strand). VCF-style: chr1-155236285-G-A. GRCh37 (hg19) VCF-style: chr1-155206076-G-A.
Other names: p.Ser395Phe; c.1184C>T (NM_000157.3, NM_001005742.2); c.1184C>T, p.Ser395Phe (NM_001005741.3, NM_001005742.3); c.923C>T, p.Ser308Phe (NM_001171811.2); c.1037C>T, p.Ser346Phe (NM_001171812.2); short protein forms S308F, S346F, S395F.
Identifiers: ClinVar variation 918140 (VCV000918140.11), dbSNP rs760307559, ClinGen allele CA1141604.

ClinVar aggregate classification (germline): Pathogenic. Review status: criteria provided, multiple submitters, no conflicts (2 of 4 stars). 6 submissions from 6 submitters: Pathogenic (6). Last evaluated 2025-11-25.

Conditions:
GBA-related disorder. Also called: GBA-related disorders.
Gaucher disease. Also called: Acute cerebral Gaucher disease; Cerebroside lipidosis syndrome; Gaucher splenomegaly; Sphingolipidosis 1; Glucocerebrosidosis; Glucosylceramidase deficiency. Identifiers: Orphanet 355, MedGen C0017205, MONDO:0018150.
Gaucher disease type I (GD1). Also called: Gaucher's disease, type 1; GAUCHER DISEASE, NONCEREBRAL JUVENILE; GBA DEFICIENCY; GD I; GLUCOCEREBROSIDASE DEFICIENCY; GD 1. Identifiers: Orphanet 355, Orphanet 77259, MedGen C1961835, MONDO:0009265, OMIM 230800.

Allele frequency attached by ClinVar (database versions not stated): gnomAD exomes below 0.00001 and 0.00001; ExAC 0.00001.
gnomAD v4.1: 6 of 1,614,156 alleles (0.00037%); highest among the groups gnomAD compares: African/African-American, 0.0013%; no homozygotes.

Submissions (6):

Natera, Inc.
Classification: Pathogenic for Gaucher disease. Last evaluated: 2025-11-25. Review status: criteria provided, single submitter. Criteria: Natera Variant Classification Schema (03/2026). Collection method: clinical testing. Allele origin: germline.
Comment: The c.1184C>T variant in GBA1 is a missense variant predicted to cause substitution of serine to phenylalanine at amino acid 395. This variant is rare in the general population with a frequency below the threshold expected for the associated phenotype(s). This variant has been observed in one or more individuals affected with the associated recessive disease, as either homozygous or compound heterozygous with a second variant (PMID: 18586596, 33301762). Computational prediction algorithms indicate this variant is likely to affect gene or protein function. Given the available evidence, this variant is classified as Pathogenic.

Blueprint Genetics
Classification: Pathogenic for GBA-related disorders. Last evaluated: 2024-02-13. Review status: criteria provided, single submitter. Criteria: ACMG Guidelines, 2015. Collection method: clinical testing. Allele origin: germline. Affected: yes. Observed: 3 variant alleles.

Foundation for Research in Genetics and Endocrinology, FRIGE's Institute of Human Genetics
Classification: Pathogenic for Gaucher disease type I. Last evaluated: 2023-12-23. Review status: criteria provided, single submitter. Criteria: ACMG Guidelines, 2015. Collection method: clinical testing. Allele origin: germline. Inheritance: Autosomal recessive inheritance. Affected: yes. Observed: 1 homozygote.
Comment: A homozygous variant in exon 8 of the GBA gene that results in the amino acid substitution of Phenylalanine for Serine at codon 395 was detected. The observed variant c.1184C>T (p.Ser395Phe) has not been reported in the 1000 genomes database and has a MAF of 0.0008% in the gnomAD database. The in-silico prediction of the variant is disease causing by Mutation Taster, FATHMM and DANN. In summary, the variant meets our criteria to be classified as pathogenic.

Revvity Omics, Revvity
Classification: Pathogenic. Last evaluated: 2023-12-07. Review status: criteria provided, single submitter. Criteria: ACMG Guidelines, 2015. Collection method: clinical testing. Allele origin: germline.

Women's Health and Genetics/Laboratory Corporation of America, LabCorp
Classification: Pathogenic for Gaucher disease. Last evaluated: 2021-11-23. Review status: criteria provided, single submitter. Criteria: LabCorp Variant Classification Summary - May 2015. Collection method: clinical testing. Allele origin: germline.
Comment: Variant summary: GBA c.1184C>T (p.Ser395Phe) results in a non-conservative amino acid change located in the Glycosyl hydrolase family 30, TIM-barrel domain (IPR033453) of the encoded protein sequence. Five of five in-silico tools predict a damaging effect of the variant on protein function. The variant allele was found at a frequency of 8e-06 in 251426 control chromosomes (gnomAD). c.1184C>T has been reported in the literature in multiple individuals affected with Gaucher Disease (examples: Emre_2008, Verma_2012, Ankleshwaria_2014, Verma_2016). These data indicate that the variant is very likely to be associated with disease. To our knowledge, no experimental evidence demonstrating an impact on protein function has been reported. No clinical diagnostic laboratories have submitted clinical-significance assessments for this variant to ClinVar after 2014. Based on the evidence outlined above, the variant was classified as pathogenic.

Ambry Genetics
Classification: Pathogenic. Last evaluated: 2015-11-11. Review status: criteria provided, single submitter. Criteria: Ambry Variant Classification Scheme 2023. Collection method: clinical testing. Allele origin: germline.
Comment: The p.S395F pathogenic mutation (also known as c.1184C>T), located in coding exon 8 of the GBA gene, results from a C to T substitution at nucleotide position 1184. The serine at codon 395 is replaced by phenylalanine, an amino acid with highly dissimilar properties. This mutation has also been reported as p.S356F in published literature. This mutation has been reported in the homozygous state in two individual with a diagnoses of Gaucher disease based on clinical features and enzymatic analysis (Verma PK et al. Indian Pediatr 2012; 49(10):799-804; Ankleshwaria C, et al. J. Hum. Genet. 2015;60(5):285). Based on the supporting evidence, p.S395F is interpreted as a disease-causing mutation.

Literature cited by the submitters: PubMed 18586596 (cited by 3 submitters); PubMed 33301762 (cited by Natera, Inc.); PubMed 18338393 (cited by Women's Health and Genetics/Laboratory Corporation of America, LabCorp); PubMed 16185900 (cited by Women's Health and Genetics/Laboratory Corporation of America, LabCorp); PubMed 30461613 (cited by Women's Health and Genetics/Laboratory Corporation of America, LabCorp); PubMed 24522292 (cited by Women's Health and Genetics/Laboratory Corporation of America, LabCorp); PubMed 25482214 (cited by Women's Health and Genetics/Laboratory Corporation of America, LabCorp); PubMed 22791670 (cited by Women's Health and Genetics/Laboratory Corporation of America, LabCorp and Ambry Genetics); PubMed 27008195 (cited by Women's Health and Genetics/Laboratory Corporation of America, LabCorp); PubMed 26008600 (cited by Ambry Genetics).